The following is an entry in ClinVar:

NM_016373.4(WWOX):c.1165C>G (p.Gln389Glu)

Genes: MAF (MAF bZIP transcription factor; minus strand), WWOX (WW domain containing oxidoreductase; plus strand). Cytogenetic location: 16q23.2.
Variant type: single nucleotide variant.
Coding change: c.1165C>G on transcript NM_016373.4 (MANE Select); coding-DNA position 1165, C replaced by G.
Protein change: p.Gln389Glu; replaces glutamine 389 with glutamic acid.
Molecular consequence: missense variant.
Genome position (GRCh38, 1-based): chr16:79,211,716, C>G. VCF-style: chr16-79211716-C-G. GRCh37 (hg19) VCF-style: chr16-79245613-C-G.
Other names: c.826C>G, p.Gln276Glu (NM_001291997.2); c.1165C>G (NM_016373.2); short protein forms Q276E, Q389E.
Identifiers: ClinVar variation 968139 (VCV000968139.8), dbSNP rs1484856529, ClinGen allele CA396537192.

ClinVar aggregate classification (germline): Uncertain significance. Review status: criteria provided, multiple submitters, no conflicts (2 of 4 stars). 2 submissions from 2 submitters: Uncertain significance (2). Last evaluated 2025-11-12.

Conditions:
Developmental and epileptic encephalopathy, 1 (DEE1). Also called: X-linked infantile spasms; West's syndrome; OHTAHARA SYNDROME, X-LINKED; Tonic spasms with clustering, arrest of psychomotor development and hypsarrhythmia on EEG; X-Linked Infantile Spasm Syndrome; INFANTILE SPASM SYNDROME, X-LINKED 1. Identifiers: MedGen C3463992, MONDO:0010632, OMIM 308350. Disease mechanism: loss of function.
Autosomal recessive spinocerebellar ataxia 12. Also called: SPINOCEREBELLAR ATAXIA WITH MENTAL RETARDATION AND EPILEPSY. Identifiers: Orphanet 284282, MedGen C3280452, MONDO:0013687, OMIM 614322.
Inborn genetic diseases. Identifiers: MedGen C0950123, MeSH D030342.

Allele frequency attached by ClinVar (database versions not stated): TOPMed 0.00001; gnomAD exomes 0.00002.
gnomAD v4.1: 10 of 1,614,118 alleles (0.00062%); highest among the groups gnomAD compares: Admixed American, 0.0083%; no homozygotes.

Submissions (2):

Ambry Genetics
Classification: Uncertain significance for Inborn genetic diseases. Last evaluated: 2025-11-12. Review status: criteria provided, single submitter. Criteria: Ambry Variant Classification Scheme 2023. Collection method: clinical testing. Allele origin: germline.

Labcorp Genetics (formerly Invitae), Labcorp
Classification: Uncertain significance for Developmental and epileptic encephalopathy, 1; Autosomal recessive spinocerebellar ataxia 12. Last evaluated: 2022-09-01. Review status: criteria provided, single submitter. Criteria: Invitae Variant Classification Sherloc (09022015). Collection method: clinical testing. Allele origin: germline.
Comment: This sequence change replaces glutamine, which is neutral and polar, with glutamic acid, which is acidic and polar, at codon 389 of the WWOX protein (p.Gln389Glu). This variant is present in population databases (no rsID available, gnomAD 0.009%). This variant has not been reported in the literature in individuals affected with WWOX-related conditions. ClinVar contains an entry for this variant (Variation ID: 968139). Algorithms developed to predict the effect of missense changes on protein structure and function are either unavailable or do not agree on the potential impact of this missense change (SIFT: "Not Available"; PolyPhen-2: "Benign"; Align-GVGD: "Not Available"). In summary, the available evidence is currently insufficient to determine the role of this variant in disease. Therefore, it has been classified as a Variant of Uncertain Significance.